The following is an entry in ClinVar:

ClinVar aggregate classification (germline): Uncertain significance. Review status: criteria provided, multiple submitters, no conflicts (2 of 4 stars). 5 submissions from 5 submitters: Uncertain significance (5). Last evaluated 2026-01-12.

Conditions:
Hereditary cancer-predisposing syndrome. Also called: Neoplastic Syndromes, Hereditary; Tumor predisposition; Hereditary neoplastic syndrome; Hereditary Cancer Syndrome. Identifiers: Orphanet 140162, MedGen C0027672, MeSH D009386, MONDO:0015356.
Peutz-Jeghers syndrome (PJS). Also called: POLYPOSIS, HAMARTOMATOUS INTESTINAL; POLYPS-AND-SPOTS SYNDROME; Peutz-Jeghers polyposis; Periorificial lentiginosis syndrome. Identifiers: Orphanet 2869, MedGen C0031269, MeSH D010580, MONDO:0008280, OMIM 175200.

Submissions (5):

Labcorp Genetics (formerly Invitae), Labcorp
Classification: Uncertain significance for Peutz-Jeghers syndrome. Last evaluated: 2026-01-12. Review status: criteria provided, single submitter. Criteria: Invitae Variant Classification Sherloc (09022015). Collection method: clinical testing. Allele origin: germline.
Comment: This sequence change replaces arginine, which is basic and polar, with leucine, which is neutral and non-polar, at codon 426 of the STK11 protein (p.Arg426Leu). This variant is not present in population databases (gnomAD no frequency). This variant has not been reported in the literature in individuals affected with STK11-related conditions. ClinVar contains an entry for this variant (Variation ID: 527831). Invitae Evidence Modeling of protein sequence and biophysical properties (such as structural, functional, and spatial information, amino acid conservation, physicochemical variation, residue mobility, and thermodynamic stability) indicates that this missense variant is not expected to disrupt STK11 protein function with a negative predictive value of 95%. In summary, the available evidence is currently insufficient to determine the role of this variant in disease. Therefore, it has been classified as a Variant of Uncertain Significance.

Ambry Genetics
Classification: Uncertain significance for Hereditary cancer-predisposing syndrome. Last evaluated: 2025-11-03. Review status: criteria provided, single submitter. Criteria: Ambry Variant Classification Scheme 2023. Collection method: clinical testing. Allele origin: germline.
Comment: The p.R426L variant (also known as c.1277G>T), located in coding exon 9 of the STK11 gene, results from a G to T substitution at nucleotide position 1277. The arginine at codon 426 is replaced by leucine, an amino acid with dissimilar properties. This amino acid position is not well conserved in available vertebrate species. In addition, this alteration is predicted to be tolerated by in silico analysis. Based on the available evidence, the clinical significance of this variant remains unclear.

All of Us Research Program, National Institutes of Health
Classification: Uncertain significance for Peutz-Jeghers syndrome. Last evaluated: 2023-05-04. Review status: criteria provided, single submitter. Criteria: ACMG Guidelines, 2015. Collection method: clinical testing. Allele origin: germline. Inheritance: Autosomal dominant inheritance. Observed: 1 variant allele, 1 heterozygote.
Comment: This missense variant replaces arginine with leucine at codon 426 of the STK11 protein. Computational prediction suggests that this variant may not impact protein structure and function (internally defined REVEL score threshold <= 0.5, PMID: 27666373). Splice site prediction tools suggest that this variant may not impact RNA splicing. To our knowledge, functional studies have not been performed for this variant. This variant has not been reported in individuals affected with hereditary cancer in the literature. This variant has not been identified in the general population by the Genome Aggregation Database (gnomAD). The available evidence is insufficient to determine the role of this variant in disease conclusively. Therefore, this variant is classified as a Variant of Uncertain Significance.

This study involves interpretation of variants in research participants for the purpose of population health screening. Participant phenotype was not available at the time of variant classification. Additional details can be found in publication PMID: 35346344, PMCID: PMC8962531

Color Diagnostics, LLC DBA Color Health
Classification: Uncertain significance for Hereditary cancer-predisposing syndrome. Last evaluated: 2023-04-06. Review status: criteria provided, single submitter. Criteria: ACMG Guidelines, 2015. Collection method: clinical testing. Allele origin: germline.
Comment: This missense variant replaces arginine with leucine at codon 426 of the STK11 protein. Computational prediction suggests that this variant may not impact protein structure and function (internally defined REVEL score threshold <= 0.5, PMID: 27666373). To our knowledge, functional studies have not been performed for this variant. This variant has not been reported in individuals affected with hereditary cancer in the literature. This variant has not been identified in the general population by the Genome Aggregation Database (gnomAD). The available evidence is insufficient to determine the role of this variant in disease conclusively. Therefore, this variant is classified as a Variant of Uncertain Significance.

Genome-Nilou Lab
Classification: Uncertain significance for Peutz-Jeghers syndrome. Last evaluated: 2021-07-15. Review status: criteria provided, single submitter. Criteria: ACMG Guidelines, 2015. Collection method: clinical testing. Allele origin: germline. Affected: no.

NM_000455.5(STK11):c.1277G>T (p.Arg426Leu)

Gene: STK11 (serine/threonine kinase 11; plus strand). Cytogenetic location: 19p13.3.
Variant type: single nucleotide variant.
Coding change: c.1277G>T on transcript NM_000455.5 (MANE Select); coding-DNA position 1277, G replaced by T.
Protein change: p.Arg426Leu; replaces arginine 426 with leucine.
Molecular consequence: missense variant.
Genome position (GRCh38, 1-based): chr19:1,226,622, G>T. VCF-style: chr19-1226622-G-T. GRCh37 (hg19) VCF-style: chr19-1226621-G-T.
Other names: short protein forms R426L.
Identifiers: ClinVar variation 527831 (VCV000527831.17), dbSNP rs752699287, ClinGen allele CA402954185.